The following is an entry in ClinVar:

ClinVar aggregate classification (germline): Uncertain significance (1 of 4 stars; one submission).

gnomAD v4.1: 1 of 1,614,170 alleles (0.000062%); highest among the groups gnomAD compares: Non-Finnish European, 0.000085%; no homozygotes.

Submission:

Labcorp Genetics (formerly Invitae), Labcorp
Classification: Uncertain significance. Last evaluated: 2024-09-04. Review status: criteria provided, single submitter. Criteria: Invitae Variant Classification Sherloc (09022015). Collection method: clinical testing. Allele origin: germline.
Comment: This sequence change falls in intron 10 of the COL7A1 gene. It does not directly change the encoded amino acid sequence of the COL7A1 protein. It affects a nucleotide within the consensus splice site. This variant is not present in population databases (gnomAD no frequency). This variant has not been reported in the literature in individuals affected with COL7A1-related conditions. Variants that disrupt the consensus splice site are a relatively common cause of aberrant splicing (PMID: 17576681, 9536098). Algorithms developed to predict the effect of sequence changes on RNA splicing suggest that this variant may disrupt the consensus splice site. In summary, the available evidence is currently insufficient to determine the role of this variant in disease. Therefore, it has been classified as a Variant of Uncertain Significance.

Literature cited by the submitters: PubMed 17576681; PubMed 9536098.

NM_000094.4(COL7A1):c.1357+4A>G

Gene: COL7A1 (collagen type VII alpha 1 chain; minus strand). Cytogenetic location: 3p21.31.
Variant type: single nucleotide variant.
Coding change: c.1357+4A>G on transcript NM_000094.4 (MANE Select); 4 bases into the intron after coding-DNA position 1357, A replaced by G.
Molecular consequence: intron variant.
Genome position (GRCh38, 1-based): chr3:48,591,894, T>C on the plus strand (A>G on the coding strand, the complement: COL7A1 is on the minus strand). VCF-style: chr3-48591894-T-C. GRCh37 (hg19) VCF-style: chr3-48629327-T-C.
Identifiers: ClinVar variation 3625689 (VCV003625689.2).